The following is an entry in ClinVar:

ClinVar aggregate classification (germline): Uncertain significance (1 of 4 stars; one submission).

Conditions:
Peroxisome biogenesis disorder. Identifiers: Orphanet 79189, MedGen C1832200, MONDO:0019234. Disease mechanism: loss of function.

Submission:

Labcorp Genetics (formerly Invitae), Labcorp
Classification: Uncertain significance for Peroxisome biogenesis disorder. Last evaluated: 2022-08-03. Review status: criteria provided, single submitter. Criteria: Invitae Variant Classification Sherloc (09022015). Collection method: clinical testing. Allele origin: germline.
Comment: This variant, c.104_109dup, results in the insertion of 2 amino acid(s) of the PEX6 protein (p.Gly35_Leu36dup), but otherwise preserves the integrity of the reading frame. This variant is not present in population databases (gnomAD no frequency). This variant has not been reported in the literature in individuals affected with PEX6-related conditions. In summary, the available evidence is currently insufficient to determine the role of this variant in disease. Therefore, it has been classified as a Variant of Uncertain Significance.

NM_000287.4(PEX6):c.104_109dup (p.Leu36_Val37insGlyLeu)

Gene: PEX6 (peroxisomal biogenesis factor 6; minus strand). Cytogenetic location: 6p21.1.
Variant type: Duplication.
Coding change: c.104_109dup on transcript NM_000287.4 (MANE Select); coding-DNA positions 104 to 109, 6 bases duplicated (GCCTGG; older notation c.104_109dupGCCTGG).
Protein change: p.Leu36_Val37insGlyLeu.
Molecular consequence: inframe insertion. On other transcripts: non-coding transcript variant (1).
Genome position (GRCh38, 1-based): chr6:42,979,042-42,979,047, CCAGGC duplicated on the plus strand (GCCTGG on the coding strand, the reverse complement: PEX6 is on the minus strand); duplicating any 6 consecutive bases within chr6:42,979,042-42,979,051 gives the same sequence; the c. name uses the placement nearest the transcript's 3' end. VCF-style (leftmost placement, unchanged base first): chr6-42979041-A-ACCAGGC. GRCh37 (hg19) VCF-style: chr6-42946779-A-ACCAGGC.
Other names: c.104_109dup, p.Leu36_Val37insGlyLeu (NM_001316313.2).
Identifiers: ClinVar variation 2021278 (VCV002021278.4), dbSNP rs2481283344, ClinGen allele CA2580074574.